The following is an entry in ClinVar:

ClinVar aggregate classification (germline): Uncertain significance. Review status: criteria provided, multiple submitters, no conflicts (2 of 4 stars). 3 submissions from 3 submitters: Uncertain significance (2). 1 of the submissions does not count toward it. Last evaluated 2022-07-12.

Conditions:
Colorectal cancer. Also called: Colorectal cancer, somatic; Malignant Colorectal Neoplasm. Identifiers: MedGen C0346629, MONDO:0005575, OMIM 114500.

Submissions (3):

GeneDx
Classification: Uncertain significance. Last evaluated: 2022-07-12. Review status: criteria provided, single submitter. Criteria: GeneDx Variant Classification Process June 2021. Collection method: clinical testing. Allele origin: germline. Affected: yes.
Comment: Not observed at significant frequency in large population cohorts (gnomAD); In silico analysis supports that this missense variant has a deleterious effect on protein structure/function; Has not been previously published as a pathogenic or benign germline variant to our knowledge; This variant is associated with the following publications: (PMID: 20951805, 31829442, 26763250)

Labcorp Genetics (formerly Invitae), Labcorp
Classification: Uncertain significance. Last evaluated: 2020-11-03. Review status: criteria provided, single submitter. Criteria: Invitae Variant Classification Sherloc (09022015). Collection method: clinical testing. Allele origin: germline.
Comment: Algorithms developed to predict the effect of missense changes on protein structure and function are either unavailable or do not agree on the potential impact of this missense change (SIFT: "Deleterious"; PolyPhen-2: "Possibly Damaging"; Align-GVGD: "Class C0"). This variant has not been reported in the literature in individuals with POLE-related conditions. This variant is not present in population databases (ExAC no frequency). This sequence change replaces glutamic acid with glycine at codon 396 of the POLE protein (p.Glu396Gly). The glutamic acid residue is highly conserved and there is a moderate physicochemical difference between glutamic acid and glycine. In summary, the available evidence is currently insufficient to determine the role of this variant in disease. Therefore, it has been classified as a Variant of Uncertain Significance.

Division of Gastroenterology and Hepatology, Shanghai Institute of Digestive Disease, Shanghai Jiao Tong University School of Medicine.
Classification: Likely pathogenic for Colorectal cancer. Last evaluated: 2021-07-19. Review status: no assertion criteria provided. Collection method: research. Allele origin: germline. Inheritance: Autosomal dominant inheritance. Affected: yes. Observed: 1 variant allele, 1 heterozygote. Not counted in ClinVar's aggregate classification.
Comment: The Glu396Gly variant in POLE has been reported in 1 Chinese family with autosomal dominant predisposition in familial colorectal cancer (CRC).

NM_006231.4(POLE):c.1187A>G (p.Glu396Gly)

Gene: POLE (DNA polymerase epsilon, catalytic subunit; minus strand). Cytogenetic location: 12q24.33.
Variant type: single nucleotide variant.
Coding change: c.1187A>G on transcript NM_006231.4 (MANE Select); coding-DNA position 1187, A replaced by G.
Protein change: p.Glu396Gly; replaces glutamic acid 396 with glycine.
Molecular consequence: missense variant.
Genome position (GRCh38, 1-based): chr12:132,675,437, T>C on the plus strand (A>G on the coding strand, the complement: POLE is on the minus strand). VCF-style: chr12-132675437-T-C. GRCh37 (hg19) VCF-style: chr12-133252023-T-C.
Other names: short protein forms E396G.
Identifiers: ClinVar variation 1180553 (VCV001180553.12), dbSNP rs2136008663, ClinGen allele CA387360834.